The following is an entry in ClinVar:

ClinVar aggregate classification (germline): Uncertain significance. Review status: criteria provided, multiple submitters, no conflicts (2 of 4 stars). 3 submissions from 3 submitters: Uncertain significance (2). 1 of the submissions does not count toward it. Last evaluated 2024-06-03.

Conditions:
Inborn genetic diseases. Identifiers: MedGen C0950123, MeSH D030342.
Polycystic kidney disease 4 (PKD4). Also called: PKD3; POLYCYSTIC KIDNEY DISEASE 4 WITH OR WITHOUT POLYCYSTIC LIVER DISEASE; Autosomal Recessive Polycystic Kidney Disease – PKHD1; POLYCYSTIC KIDNEY AND HEPATIC DISEASE 1; POLYCYSTIC KIDNEY DISEASE, INFANTILE, TYPE I. Identifiers: MedGen C4540575, MONDO:0033004, OMIM 263200.
PKHD1-related disorder. Also called: PKHD1-related condition.

Allele frequency attached by ClinVar (database versions not stated): gnomAD 0.00001; gnomAD exomes 0.00001; TOPMed 0.00002.
gnomAD v4.1: 6 of 1,613,772 alleles (0.00037%); highest among the groups gnomAD compares: Admixed American, 0.0067%; no homozygotes.

Submissions (3):

Fulgent Genetics
Classification: Uncertain significance for Polycystic kidney disease 4. Last evaluated: 2024-06-03. Review status: criteria provided, single submitter. Criteria: ACMG Guidelines, 2015. Collection method: clinical testing. Allele origin: germline.

Ambry Genetics
Classification: Uncertain significance for Inborn genetic diseases. Last evaluated: 2023-04-13. Review status: criteria provided, single submitter. Criteria: Ambry Variant Classification Scheme 2023. Collection method: clinical testing. Allele origin: germline.

PreventionGenetics, part of Exact Sciences
Classification: Uncertain significance for PKHD1-related condition. Last evaluated: 2024-02-27. Review status: no assertion criteria provided. Collection method: clinical testing. Allele origin: germline. Not counted in ClinVar's aggregate classification.
Comment: The PKHD1 c.1701A>C variant is predicted to result in the amino acid substitution p.Glu567Asp. To our knowledge, this variant has not been reported in the literature. This variant is reported in 0.0085% of alleles in individuals of Latino descent in gnomAD. At this time, the clinical significance of this variant is uncertain due to the absence of conclusive functional and genetic evidence.

NM_138694.4(PKHD1):c.1701A>C (p.Glu567Asp)

Gene: PKHD1 (PKHD1 ciliary IPT domain containing fibrocystin/polyductin; minus strand). Cytogenetic location: 6p12.2.
Variant type: single nucleotide variant.
Coding change: c.1701A>C on transcript NM_138694.4 (MANE Select); coding-DNA position 1701, A replaced by C.
Protein change: p.Glu567Asp; replaces glutamic acid 567 with aspartic acid.
Molecular consequence: missense variant.
Genome position (GRCh38, 1-based): chr6:52,055,722, T>G on the plus strand (A>C on the coding strand, the complement: PKHD1 is on the minus strand). VCF-style: chr6-52055722-T-G. GRCh37 (hg19) VCF-style: chr6-51920520-T-G.
Other names: c.1701A>C, p.Glu567Asp (NM_170724.3); short protein forms E567D.
Identifiers: ClinVar variation 2523429 (VCV002523429.5), dbSNP rs1302902504, ClinGen allele CA364424828.
Genomic context (GRCh38, chr6:52,055,722, plus strand): 5'-GCTGAACCTGCCACAGAAGGGCTCCGTCCCACTGGTGAGGTCCCCATCAGAGTTGGAAAC[T>G]TCTGGGCCTGGATGCAGTTCAGATAAAATAGAAAGGCAGGCATAGATATTAAAAAAGACA-3'
Protein context (NP_619639.3, residues 557-577): LLRLGFERGP[Glu567Asp]VSNSDGDLTS